The following is an entry in ClinVar:

NM_006231.4(POLE):c.2980C>T (p.Leu994Phe)

Gene: POLE (DNA polymerase epsilon, catalytic subunit; minus strand). Cytogenetic location: 12q24.33.
Variant type: single nucleotide variant.
Coding change: c.2980C>T on transcript NM_006231.4 (MANE Select); coding-DNA position 2980, C replaced by T.
Protein change: p.Leu994Phe; replaces leucine 994 with phenylalanine.
Molecular consequence: missense variant.
Genome position (GRCh38, 1-based): chr12:132,661,049, G>A on the plus strand (C>T on the coding strand, the complement: POLE is on the minus strand). VCF-style: chr12-132661049-G-A. GRCh37 (hg19) VCF-style: chr12-133237635-G-A.
Other names: short protein forms L994F.
Identifiers: ClinVar variation 3225429 (VCV003225429.1), dbSNP rs2138690276, ClinGen allele CA387392403.
Genomic context (GRCh38, chr12:132,661,049, plus strand): 5'-GCCAGTAGTCAGCCACCTTGGCTACAGAGCCATACACCTCTTCCAGCGTGCTGCCCTTGA[G>A]GAAGGCCTCAAACACCGAGGATTGGAAGATCTTAATCAGCTGCAGTTCCCCGCGGCGTTT-3'
Protein context (NP_006222.2, residues 984-1004): IFQSSVFEAF[Leu994Phe]KGSTLEEVYG

ClinVar aggregate classification (germline): Uncertain significance (1 of 4 stars; one submission).

Conditions:
Hereditary cancer-predisposing syndrome. Also called: Neoplastic Syndromes, Hereditary; Tumor predisposition; Hereditary neoplastic syndrome; Hereditary Cancer Syndrome. Identifiers: Orphanet 140162, MedGen C0027672, MeSH D009386, MONDO:0015356.

Submission:

Ambry Genetics
Classification: Uncertain significance for Hereditary cancer-predisposing syndrome. Last evaluated: 2023-10-26. Review status: criteria provided, single submitter. Criteria: Ambry Variant Classification Scheme 2023. Collection method: clinical testing. Allele origin: germline.
Comment: The p.L994F variant (also known as c.2980C>T), located in coding exon 25 of the POLE gene, results from a C to T substitution at nucleotide position 2980. The leucine at codon 994 is replaced by phenylalanine, an amino acid with highly similar properties. This amino acid position is conserved. In addition, the in silico prediction for this alteration is inconclusive. Since supporting evidence is limited at this time, the clinical significance of this alteration remains unclear.